The following is an entry in ClinVar:

NM_001130987.2(DYSF):c.3065A>G (p.Asn1022Ser)

Gene: DYSF (dysferlin; plus strand). Cytogenetic location: 2p13.2.
Variant type: single nucleotide variant.
Coding change: c.3065A>G on transcript NM_001130987.2 (MANE Select); coding-DNA position 3065, A replaced by G.
Protein change: p.Asn1022Ser; replaces asparagine 1022 with serine.
Molecular consequence: missense variant.
Genome position (GRCh38, 1-based): chr2:71,570,314, A>G. VCF-style: chr2-71570314-A-G. GRCh37 (hg19) VCF-style: chr2-71797444-A-G.
Other names: c.3014A>G, p.Asn1005Ser (NM_001130455.2, NM_001130983.2); c.2969A>G, p.Asn990Ser (NM_001130976.2, NM_001130977.2); c.3011A>G, p.Asn1004Ser (NM_001130978.2, NM_003494.4); c.3104A>G, p.Asn1035Ser (NM_001130979.2); c.3062A>G, p.Asn1021Ser (NM_001130980.2, NM_001130981.2); c.3107A>G, p.Asn1036Ser (NM_001130982.2); c.2972A>G, p.Asn991Ser (NM_001130984.2, NM_001130986.2); c.3065A>G, p.Asn1022Ser (NM_001130985.2); short protein forms N1004S, N1022S, N1036S, N991S, N1005S, N1035S, N1021S, N990S.
Identifiers: ClinVar variation 196125 (VCV000196125.10), dbSNP rs772518246, ClinGen allele CA242960.

ClinVar aggregate classification (germline): Uncertain significance. Review status: criteria provided, multiple submitters, no conflicts (2 of 4 stars). 5 submissions from 5 submitters: Uncertain significance (4). 1 of the submissions does not count toward it. Last evaluated 2024-06-10.

Conditions:
Inborn genetic diseases. Identifiers: MedGen C0950123, MeSH D030342.
Neuromuscular disease caused by qualitative or quantitative defects of dysferlin. Also called: Qualitative or quantitative defects of dysferlin; Dysferlinopathy. Identifiers: Orphanet 207073, MedGen C2931687, MONDO:0016145.
Miyoshi muscular dystrophy 1 (MMD1). Identifiers: Orphanet 45448, MedGen C4551973, MONDO:0024545, OMIM 254130.
Autosomal recessive limb-girdle muscular dystrophy type 2B (LGMDR2). Also called: Limb-Girdle Muscular Dystrophy Type 2B (LGMD2B); MUSCULAR DYSTROPHY, LIMB-GIRDLE, AUTOSOMAL RECESSIVE 2; MUSCULAR DYSTROPHY, LIMB-GIRDLE, TYPE 3; Limb-girdle muscular dystrophy, type 2B. Identifiers: Orphanet 268, MedGen C1850889, MONDO:0009676, OMIM 253601.
Distal myopathy with anterior tibial onset. Identifiers: Orphanet 178400, MedGen C1847532, MONDO:0011721, OMIM 606768.

Allele frequency attached by ClinVar (database versions not stated): gnomAD 0.00001; gnomAD exomes 0.00001; TOPMed 0.00001; ExAC 0.00002.
gnomAD v4.1: 58 of 1,613,944 alleles (0.0036%); highest among the groups gnomAD compares: Admixed American, 0.0083%; no homozygotes.

Submissions (5):

Ambry Genetics
Classification: Uncertain significance for Inborn genetic diseases. Last evaluated: 2024-06-10. Review status: criteria provided, single submitter. Criteria: Ambry Variant Classification Scheme 2023. Collection method: clinical testing. Allele origin: germline.

Labcorp Genetics (formerly Invitae), Labcorp
Classification: Uncertain significance for Neuromuscular disease caused by qualitative or quantitative defects of dysferlin. Last evaluated: 2022-06-20. Review status: criteria provided, single submitter. Criteria: Invitae Variant Classification Sherloc (09022015). Collection method: clinical testing. Allele origin: germline.
Comment: This sequence change replaces asparagine, which is neutral and polar, with serine, which is neutral and polar, at codon 1004 of the DYSF protein (p.Asn1004Ser). This variant is present in population databases (rs772518246, gnomAD 0.003%). This variant has not been reported in the literature in individuals affected with DYSF-related conditions. ClinVar contains an entry for this variant (Variation ID: 196125). Algorithms developed to predict the effect of missense changes on protein structure and function are either unavailable or do not agree on the potential impact of this missense change (SIFT: "Deleterious"; PolyPhen-2: "Possibly Damaging"; Align-GVGD: "Class C0"). In summary, the available evidence is currently insufficient to determine the role of this variant in disease. Therefore, it has been classified as a Variant of Uncertain Significance.

Fulgent Genetics
Classification: Uncertain significance for Autosomal recessive limb-girdle muscular dystrophy type 2B; Miyoshi muscular dystrophy 1; Distal myopathy with anterior tibial onset. Last evaluated: 2021-07-23. Review status: criteria provided, single submitter. Criteria: ACMG Guidelines, 2015. Collection method: clinical testing. Allele origin: unknown.

Eurofins Ntd Llc (ga)
Classification: Uncertain significance. Last evaluated: 2015-03-13. Review status: criteria provided, single submitter. Criteria: EGL Classification Definitions 2015. Collection method: clinical testing. Allele origin: germline. Observed: 1 variant allele, 1 heterozygote.

Natera, Inc.
Classification: Uncertain significance for Limb-girdle muscular dystrophy type 2B. Last evaluated: 2020-09-16. Review status: no assertion criteria provided. Collection method: clinical testing. Allele origin: germline. Not counted in ClinVar's aggregate classification.